The following is an entry in ClinVar:

ClinVar aggregate classification (germline): Uncertain significance. Review status: criteria provided, multiple submitters, no conflicts (2 of 4 stars). 2 submissions from 2 submitters: Uncertain significance (2). Last evaluated 2025-06-03.

Conditions:
Autosomal recessive limb-girdle muscular dystrophy type 2A (LGMDR1). Also called: LEYDEN-MOEBIUS MUSCULAR DYSTROPHY; MUSCULAR DYSTROPHY, PELVOFEMORAL; Limb-girdle muscular dystrophy, type 2A; Calpainopathy; Muscular dystrophy, limb-girdle, type 2A, Amish. Identifiers: Orphanet 267, MedGen C1869123, MONDO:0009675, OMIM 253600. Disease mechanism: loss of function.

Submissions (2):

Labcorp Genetics (formerly Invitae), Labcorp
Classification: Uncertain significance for Autosomal recessive limb-girdle muscular dystrophy type 2A. Last evaluated: 2025-06-03. Review status: criteria provided, single submitter. Criteria: Invitae Variant Classification Sherloc (09022015). Collection method: clinical testing. Allele origin: germline.
Comment: This sequence change replaces glutamine, which is neutral and polar, with histidine, which is basic and polar, at codon 459 of the CAPN3 protein (p.Gln459His). This variant is not present in population databases (gnomAD no frequency). This variant has not been reported in the literature in individuals affected with CAPN3-related conditions. ClinVar contains an entry for this variant (Variation ID: 497237). Invitae Evidence Modeling of protein sequence and biophysical properties (such as structural, functional, and spatial information, amino acid conservation, physicochemical variation, residue mobility, and thermodynamic stability) indicates that this missense variant is expected to disrupt CAPN3 protein function with a positive predictive value of 80%. In summary, the available evidence is currently insufficient to determine the role of this variant in disease. Therefore, it has been classified as a Variant of Uncertain Significance.

Eurofins Ntd Llc (ga)
Classification: Uncertain significance. Last evaluated: 2016-09-29. Review status: criteria provided, single submitter. Criteria: EGL Classification Definitions 2015. Collection method: clinical testing. Allele origin: germline. Observed: 1 variant allele, 1 heterozygote.

NM_000070.3(CAPN3):c.1377G>T (p.Gln459His)

Genes: CAPN3 (calpain 3; plus strand), LOC130056921 (ATAC-STARR-seq lymphoblastoid active region 9300; plus strand). Cytogenetic location: 15q15.1.
Variant type: single nucleotide variant.
Coding change: c.1377G>T on transcript NM_000070.3 (MANE Select); coding-DNA position 1377, G replaced by T.
Protein change: p.Gln459His; replaces glutamine 459 with histidine.
Molecular consequence: missense variant.
Genome position (GRCh38, 1-based): chr15:42,401,663, G>T. VCF-style: chr15-42401663-G-T. GRCh37 (hg19) VCF-style: chr15-42693861-G-T.
Other names: c.1377G>T, p.Gln459His (NM_024344.2); c.1233G>T, p.Gln411His (NM_173087.2); short protein forms Q459H, Q411H.
Identifiers: ClinVar variation 497237 (VCV000497237.8), dbSNP rs1555422101, ClinGen allele CA391999711.